The following is an entry in ClinVar:

NM_018052.5(VAC14):c.2311G>A (p.Gly771Arg)

Gene: VAC14 (VAC14 component of PIKFYVE complex; minus strand). Cytogenetic location: 16q22.1.
Variant type: single nucleotide variant.
Coding change: c.2311G>A on transcript NM_018052.5 (MANE Select); coding-DNA position 2311, G replaced by A.
Protein change: p.Gly771Arg; replaces glycine 771 with arginine.
Molecular consequence: missense variant.
Genome position (GRCh38, 1-based): chr16:70,687,966, C>T on the plus strand (G>A on the coding strand, the complement: VAC14 is on the minus strand). VCF-style: chr16-70687966-C-T. GRCh37 (hg19) VCF-style: chr16-70721869-C-T.
Other names: c.1609G>A, p.Gly537Arg (NM_001351157.2); short protein forms G771R, G537R.
Identifiers: ClinVar variation 1905245 (VCV001905245.2), dbSNP rs761762197, ClinGen allele CA8147324.
Genomic context (GRCh38, chr16:70,687,966, plus strand): 5'-GCCCTCCTCCGTGCCAGGCCTGTCAGAGGACAACCCTCCGGTCCAGGTGGTCCCCACGCC[C>T]GCTCCGCTGGTGCCGCACTTCCAGGTGCTTGTTCTGGACCTTCTCAAAGTGCTGCAGCAG-3'
Protein context (NP_060522.3, residues 761-781): KHLEVRHQRS[Gly771Arg]RGDHLDRRVV

ClinVar aggregate classification (germline): Uncertain significance (1 of 4 stars; one submission).

Allele frequency attached by ClinVar (database versions not stated): ExAC 0.00001; gnomAD 0.00001; TOPMed 0.00001.
gnomAD v4.1: 12 of 1,589,968 alleles (0.00075%); highest among the groups gnomAD compares: East Asian, 0.0069%; no homozygotes.

Submission:

Labcorp Genetics (formerly Invitae), Labcorp
Classification: Uncertain significance. Last evaluated: 2022-08-20. Review status: criteria provided, single submitter. Criteria: Invitae Variant Classification Sherloc (09022015). Collection method: clinical testing. Allele origin: germline.
Comment: This sequence change replaces glycine, which is neutral and non-polar, with arginine, which is basic and polar, at codon 771 of the VAC14 protein (p.Gly771Arg). This variant is present in population databases (rs761762197, gnomAD 0.009%). This variant has not been reported in the literature in individuals affected with VAC14-related conditions. Algorithms developed to predict the effect of missense changes on protein structure and function are either unavailable or do not agree on the potential impact of this missense change (SIFT: "Tolerated"; PolyPhen-2: "Possibly Damaging"; Align-GVGD: "Class C0"). In summary, the available evidence is currently insufficient to determine the role of this variant in disease. Therefore, it has been classified as a Variant of Uncertain Significance.